The following is an entry in ClinVar:

ClinVar aggregate classification (germline): Likely benign (1 of 4 stars; one submission).

Conditions:
LAMA1-related disorder. Also called: LAMA1-related disorders; LAMA1-related condition.

gnomAD v4.1: 2 of 1,614,044 alleles (0.00012%); highest among the groups gnomAD compares: East Asian, 0.0022%; no homozygotes.

Submission:

PreventionGenetics, part of Exact Sciences
Classification: Likely benign for LAMA1-related condition. Last evaluated: 2026-09-01. Review status: criteria provided, single submitter. Criteria: ACMG Guidelines, 2015. Collection method: clinical testing. Allele origin: germline.
Comment: This variant is classified as likely benign based on ACMG/AMP sequence variant interpretation guidelines (Richards et al. 2015 PMID: 25741868, with internal and published modifications).

NM_005559.4(LAMA1):c.414G>A (p.Glu138=)

Gene: LAMA1 (laminin subunit alpha 1; minus strand). Cytogenetic location: 18p11.31.
Variant type: single nucleotide variant.
Coding change: c.414G>A on transcript NM_005559.4 (MANE Select); coding-DNA position 414, G replaced by A.
Protein change: p.Glu138=; no amino-acid change (glutamic acid 138 retained).
Molecular consequence: synonymous variant.
Genome position (GRCh38, 1-based): chr18:7,050,868, C>T on the plus strand (G>A on the coding strand, the complement: LAMA1 is on the minus strand). VCF-style: chr18-7050868-C-T. GRCh37 (hg19) VCF-style: chr18-7050867-C-T.
Identifiers: ClinVar variation 5002300 (VCV005002300.1).